The following is an entry in ClinVar:

NM_015425.6(POLR1A):c.1380+16_1380+49del

Gene: POLR1A (RNA polymerase I subunit A; minus strand). Cytogenetic location: 2p11.2.
Variant type: Deletion.
Coding change: c.1380+16_1380+49del on transcript NM_015425.6 (MANE Select); bases 16 to 49 of the intron after coding-DNA position 1380, 34 bases deleted.
Molecular consequence: intron variant.
Genome position (GRCh38, 1-based): chr2:86,077,810-86,077,843, 34 bases deleted; deleting any 34 consecutive bases within chr2:86,077,810-86,077,844 gives the same sequence; the c. name uses the placement nearest the transcript's 3' end. GRCh37 (hg19): chr2:86,304,934-86,304,967.
Identifiers: ClinVar variation 1913051 (VCV001913051.5), dbSNP rs1157688892, ClinGen allele CA894043878.

ClinVar aggregate classification (germline): Uncertain significance (1 of 4 stars; one submission).

Submission:

Labcorp Genetics (formerly Invitae), Labcorp
Classification: Uncertain significance. Last evaluated: 2022-04-10. Review status: criteria provided, single submitter. Criteria: Invitae Variant Classification Sherloc (09022015). Collection method: clinical testing. Allele origin: germline.
Comment: In summary, the available evidence is currently insufficient to determine the role of this variant in disease. Therefore, it has been classified as a Variant of Uncertain Significance. Algorithms developed to predict the effect of sequence changes on RNA splicing suggest that this variant may create or strengthen a splice site. This variant has not been reported in the literature in individuals affected with POLR1A-related conditions. This variant is not present in population databases (gnomAD no frequency). This sequence change falls in intron 11 of the POLR1A gene. It does not directly change the encoded amino acid sequence of the POLR1A protein.